The following is an entry in ClinVar:

NM_004369.4(COL6A3):c.9083A>C (p.His3028Pro)

Gene: COL6A3 (collagen type VI alpha 3 chain; minus strand). Cytogenetic location: 2q37.3.
Variant type: single nucleotide variant.
Coding change: c.9083A>C on transcript NM_004369.4 (MANE Select); coding-DNA position 9083, A replaced by C.
Protein change: p.His3028Pro; replaces histidine 3028 with proline.
Molecular consequence: missense variant.
Genome position (GRCh38, 1-based): chr2:237,334,772, T>G on the plus strand (A>C on the coding strand, the complement: COL6A3 is on the minus strand). VCF-style: chr2-237334772-T-G. GRCh37 (hg19) VCF-style: chr2-238243415-T-G.
Other names: c.7262A>C, p.His2421Pro (NM_057166.5); c.8465A>C, p.His2822Pro (NM_057167.4); short protein forms H2421P, H2822P, H3028P.
Identifiers: ClinVar variation 2820825 (VCV002820825.3), dbSNP rs2469787810, ClinGen allele CA351188676.
Genomic context (GRCh38, chr2:237,334,772, plus strand): 5'-AGGCCTCCAATGACGCGGTCCGTGACCGTGAGGTTCTGCTTCAGAACCAGGGACTGATCA[T>G]GGGCTGAGGTGACGGTGAGGTCATAAAAATAAGGACCGGGGGGCTCAGCCCTCTCCCAGT-3'
Protein context (NP_004360.2, residues 3018-3038): YFYDLTVTSA[His3028Pro]DQSLVLKQNL

ClinVar aggregate classification (germline): Uncertain significance (1 of 4 stars; one submission).

Conditions:
Bethlem myopathy 1A. Also called: Bethlem myopathy 1; MYOPATHY, BENIGN CONGENITAL, WITH CONTRACTURES; Bethlem Muscular Dystrophy. Identifiers: Orphanet 610, MedGen CN029274, MONDO:0024530, OMIM 158810.

Submission:

Labcorp Genetics (formerly Invitae), Labcorp
Classification: Uncertain significance for Bethlem myopathy 1A. Last evaluated: 2023-03-23. Review status: criteria provided, single submitter. Criteria: Invitae Variant Classification Sherloc (09022015). Collection method: clinical testing. Allele origin: germline.
Comment: This sequence change replaces histidine, which is basic and polar, with proline, which is neutral and non-polar, at codon 3028 of the COL6A3 protein (p.His3028Pro). This variant is not present in population databases (gnomAD no frequency). This variant has not been reported in the literature in individuals affected with COL6A3-related conditions. Advanced modeling of protein sequence and biophysical properties (such as structural, functional, and spatial information, amino acid conservation, physicochemical variation, residue mobility, and thermodynamic stability) performed at Invitae indicates that this missense variant is not expected to disrupt COL6A3 protein function. In summary, the available evidence is currently insufficient to determine the role of this variant in disease. Therefore, it has been classified as a Variant of Uncertain Significance.